The following is an entry in ClinVar:

ClinVar aggregate classification (germline): Benign. Review status: criteria provided, multiple submitters, no conflicts (2 of 4 stars). 3 submissions from 2 submitters: Benign (3). Last evaluated 2021-05-19.

Conditions:
Susceptibility to mononeuropathy of the median nerve, mild. Also called: CARPAL TUNNEL SYNDROME, SUSCEPTIBILITY TO. Identifiers: MedGen C3150596, MONDO:0013237, OMIM 613353.
Charcot-Marie-Tooth disease type 4C (CMT4C). Also called: CHARCOT-MARIE-TOOTH DISEASE, DEMYELINATING, AUTOSOMAL RECESSIVE, TYPE 4C; CMT 4C; Charcot-Marie-Tooth Neuropathy Type 4C (CMT4C); CHARCOT-MARIE-TOOTH DISEASE, DEMYELINATING, TYPE 4C; SH3TC2-Related Hereditary Motor and Sensory Neuropathy. Identifiers: Orphanet 99949, MedGen C1866636, MONDO:0011113, OMIM 601596.

Allele frequency attached by ClinVar (database versions not stated): 1000 Genomes Project 0.01338; 1000 Genomes Project 30x 0.01530; TOPMed 0.02470.
gnomAD v4.1: 4,151 of 152,294 alleles (2.7%); highest among the groups gnomAD compares: Non-Finnish European, 3.9%; 91 homozygotes.

Submissions (3):

GeneDx
Classification: Benign. Last evaluated: 2021-05-19. Review status: criteria provided, single submitter. Criteria: GeneDx Variant Classification Process June 2021. Collection method: clinical testing. Allele origin: germline. Affected: yes.

Illumina Laboratory Services, Illumina
Classification: Benign for Charcot-Marie-Tooth disease type 4C. Last evaluated: 2018-01-12. Review status: criteria provided, single submitter. Criteria: ICSL Variant Classification Criteria 13 December 2019. Collection method: clinical testing. Allele origin: germline.
Comment: This variant was observed in the ICSL laboratory as part of a predisposition screen in an ostensibly healthy population. It had not been previously curated by ICSL or reported in the Human Gene Mutation Database (HGMD: prior to June 1st, 2018), and was therefore a candidate for classification through an automated scoring system. Utilizing variant allele frequency, disease prevalence and penetrance estimates, and inheritance mode, an automated score was calculated to assess if this variant is too frequent to cause the disease. Based on the score and internal cut-off values, a variant classified as benign is not then subjected to further curation. The score for this variant resulted in a classification of benign for this disease.

Illumina Laboratory Services, Illumina
Classification: Benign for Susceptibility to mononeuropathy of the median nerve, mild. Last evaluated: 2018-01-12. Review status: criteria provided, single submitter. Criteria: ICSL Variant Classification Criteria 13 December 2019. Collection method: clinical testing. Allele origin: germline.
Comment: the same text as in the submission from Illumina Laboratory Services, Illumina above.

NM_024577.4(SH3TC2):c.*19406A>T

Gene: SH3TC2 (SH3 domain and tetratricopeptide repeats 2; minus strand). Cytogenetic location: 5q32.
Variant type: single nucleotide variant.
Coding change: c.*19406A>T on transcript NM_024577.4 (MANE Select); 19406 bases downstream of the stop codon, A replaced by T.
Molecular consequence: 3 prime UTR variant.
Genome position (GRCh38, 1-based): chr5:148,985,305, T>A on the plus strand (A>T on the coding strand, the complement: SH3TC2 is on the minus strand). VCF-style: chr5-148985305-T-A. GRCh37 (hg19) VCF-style: chr5-148364868-T-A.
Identifiers: ClinVar variation 351599 (VCV000351599.7), dbSNP rs72835351, ClinGen allele CA10619424.